The following is an entry in ClinVar:

NM_016122.3(CEP83):c.1532G>A (p.Arg511Gln)

Gene: CEP83 (centrosomal protein 83; minus strand). Cytogenetic location: 12q22.
Variant type: single nucleotide variant.
Coding change: c.1532G>A on transcript NM_016122.3 (MANE Select); coding-DNA position 1532, G replaced by A.
Protein change: p.Arg511Gln; replaces arginine 511 with glutamine.
Molecular consequence: missense variant. On other transcripts: non-coding transcript variant (2).
Genome position (GRCh38, 1-based): chr12:94,333,527, C>T on the plus strand (G>A on the coding strand, the complement: CEP83 is on the minus strand). VCF-style: chr12-94333527-C-T. GRCh37 (hg19) VCF-style: chr12-94727303-C-T.
Other names: c.1532G>A, p.Arg511Gln (NM_001042399.2, NM_001346457.2, NM_001368037.1 and 1 more transcripts); c.1220G>A, p.Arg407Gln (NM_001346458.2, NM_001346459.2, NM_001368039.1 and 1 more transcripts); c.1307G>A, p.Arg436Gln (NM_001368041.1); c.1532G>A (NM_016122.2); short protein forms R436Q, R407Q, R511Q.
Identifiers: ClinVar variation 1419704 (VCV001419704.4), dbSNP rs587777487, ClinGen allele CA242058173.

ClinVar aggregate classification (germline): Uncertain significance. Review status: criteria provided, multiple submitters, no conflicts (2 of 4 stars). 2 submissions from 2 submitters: Uncertain significance (2). Last evaluated 2023-05-23.

Conditions:
Nephronophthisis 18 (NPHP18). Identifiers: Orphanet 655, MedGen C3890591, MONDO:0014374, OMIM 615862.

gnomAD v4.1: 44 of 1,613,342 alleles (0.0027%); highest among the groups gnomAD compares: African/African-American, 0.041%; no homozygotes.

Submissions (2):

GeneDx
Classification: Uncertain significance. Last evaluated: 2023-05-23. Review status: criteria provided, single submitter. Criteria: GeneDx Variant Classification Process June 2021. Collection method: clinical testing. Allele origin: germline. Affected: yes.
Comment: In silico analysis supports that this missense variant does not alter protein structure/function; Has not been previously published as pathogenic or benign to our knowledge

Labcorp Genetics (formerly Invitae), Labcorp
Classification: Uncertain significance for Nephronophthisis 18. Last evaluated: 2022-10-24. Review status: criteria provided, single submitter. Criteria: Invitae Variant Classification Sherloc (09022015). Collection method: clinical testing. Allele origin: germline.
Comment: This sequence change replaces arginine with glutamine at codon 511 of the CEP83 protein (p.Arg511Gln). The arginine residue is highly conserved and there is a small physicochemical difference between arginine and glutamine. This variant is present in population databases (no rsID available, gnomAD 0.03%). This variant has not been reported in the literature in individuals affected with CEP83-related conditions. ClinVar contains an entry for this variant (Variation ID: 1419704). Advanced modeling of protein sequence and biophysical properties (such as structural, functional, and spatial information, amino acid conservation, physicochemical variation, residue mobility, and thermodynamic stability) performed at Invitae indicates that this missense variant is not expected to disrupt CEP83 protein function. This variant disrupts the p.Arg511 amino acid residue in CEP83. Other variant(s) that disrupt this residue have been determined to be pathogenic (PMID: 24882706). This suggests that this residue is clinically significant, and that variants that disrupt this residue are likely to be disease-causing. In summary, the available evidence is currently insufficient to determine the role of this variant in disease. Therefore, it has been classified as a Variant of Uncertain Significance.

Literature cited by the submitters: PubMed 24882706 (cited by Labcorp Genetics (formerly Invitae), Labcorp).